The following is an entry in ClinVar:

NM_006846.4(SPINK5):c.1903T>C (p.Phe635Leu)

Gene: SPINK5 (serine peptidase inhibitor Kazal type 5; plus strand). Cytogenetic location: 5q32.
Variant type: single nucleotide variant.
Coding change: c.1903T>C on transcript NM_006846.4 (MANE Select); coding-DNA position 1903, T replaced by C.
Protein change: p.Phe635Leu; replaces phenylalanine 635 with leucine.
Molecular consequence: missense variant.
Genome position (GRCh38, 1-based): chr5:148,114,377, T>C. VCF-style: chr5-148114377-T-C. GRCh37 (hg19) VCF-style: chr5-147493940-T-C.
Other names: c.1903T>C, p.Phe635Leu (NM_001127698.2, NM_001127699.2); c.1903T>C (NM_006846.3); short protein forms F635L.
Identifiers: ClinVar variation 1004347 (VCV001004347.10), dbSNP rs373738148, ClinGen allele CA3495796.

ClinVar aggregate classification (germline): Conflicting classifications of pathogenicity. Review status: criteria provided, conflicting classifications (1 of 4 stars). 3 submissions from 3 submitters: Uncertain significance (2); Likely benign (1). Last evaluated 2026-09-01.

Conditions:
Inborn genetic diseases. Identifiers: MedGen C0950123, MeSH D030342.
Ichthyosis linearis circumflexa. Identifiers: MedGen C0265962, MONDO:0043106, HP:0025810.

Allele frequency attached by ClinVar (database versions not stated): gnomAD exomes 0.00002; ExAC 0.00003; gnomAD 0.00003; TOPMed 0.00006; ESP Exome Variant Server 0.00017.

Submissions (3):

CeGaT Center for Human Genetics Tuebingen
Classification: Likely benign. Last evaluated: 2026-09-01. Review status: criteria provided, single submitter. Criteria: CeGaT Center For Human Genetics Tuebingen Variant Classification Criteria Version 2. Collection method: clinical testing. Allele origin: germline. Affected: yes. Observed: 1 variant allele.
Comment: SPINK5: BS2

Ambry Genetics
Classification: Uncertain significance for Inborn genetic diseases. Last evaluated: 2025-08-07. Review status: criteria provided, single submitter. Criteria: Ambry Variant Classification Scheme 2023. Collection method: clinical testing. Allele origin: germline.

Labcorp Genetics (formerly Invitae), Labcorp
Classification: Uncertain significance for Ichthyosis linearis circumflexa. Last evaluated: 2024-02-23. Review status: criteria provided, single submitter. Criteria: Invitae Variant Classification Sherloc (09022015). Collection method: clinical testing. Allele origin: germline.
Comment: This sequence change replaces phenylalanine, which is neutral and non-polar, with leucine, which is neutral and non-polar, at codon 635 of the SPINK5 protein (p.Phe635Leu). This variant is present in population databases (rs373738148, gnomAD 0.004%), including at least one homozygous and/or hemizygous individual. This variant has not been reported in the literature in individuals affected with SPINK5-related conditions. ClinVar contains an entry for this variant (Variation ID: 1004347). Advanced modeling of protein sequence and biophysical properties (such as structural, functional, and spatial information, amino acid conservation, physicochemical variation, residue mobility, and thermodynamic stability) has been performed at Invitae for this missense variant, however the output from this modeling did not meet the statistical confidence thresholds required to predict the impact of this variant on SPINK5 protein function. In summary, the available evidence is currently insufficient to determine the role of this variant in disease. Therefore, it has been classified as a Variant of Uncertain Significance.